The following is an entry in ClinVar:

ClinVar aggregate classification (germline): Uncertain significance. Review status: criteria provided, multiple submitters, no conflicts (2 of 4 stars). 3 submissions from 3 submitters: Uncertain significance (3). Last evaluated 2026-09-25.

Conditions:
Senior-Loken syndrome 7 (SLSN7). Identifiers: Orphanet 3156, MedGen C3150877, MONDO:0013326, OMIM 613615.
Bardet-Biedl syndrome 16 (BBS16). Identifiers: Orphanet 110, MedGen C3889474, MONDO:0014444, OMIM 615993.
SDCCAG8-related disorder. Also called: SDCCAG8-Related Disorders; SDCCAG8-related condition.

Submissions (3):

PreventionGenetics, part of Exact Sciences
Classification: Uncertain significance for SDCCAG8-related condition. Last evaluated: 2026-09-25. Review status: criteria provided, single submitter. Criteria: ACMG Guidelines, 2015. Collection method: clinical testing. Allele origin: germline.
Comment: The SDCCAG8 c.383A>G variant is predicted to result in the amino acid substitution p.Tyr128Cys. To our knowledge, this variant has not been reported in the literature or in a large population database (gnomAD), indicating this variant is rare. At this time, the clinical significance of this variant is uncertain due to the absence of conclusive functional and genetic evidence.

Fulgent Genetics
Classification: Uncertain significance for Senior-Loken syndrome 7; Bardet-Biedl syndrome 16. Last evaluated: 2024-04-10. Review status: criteria provided, single submitter. Criteria: ACMG Guidelines, 2015. Collection method: clinical testing. Allele origin: germline.

Blueprint Genetics
Classification: Uncertain significance. Last evaluated: 2023-08-25. Review status: criteria provided, single submitter. Criteria: ACMG Guidelines, 2015. Collection method: clinical testing. Allele origin: germline.

NM_006642.5(SDCCAG8):c.383A>G (p.Tyr128Cys)

Gene: SDCCAG8 (SHH signaling and ciliogenesis regulator SDCCAG8; plus strand). Cytogenetic location: 1q43.
Variant type: single nucleotide variant.
Coding change: c.383A>G on transcript NM_006642.5 (MANE Select); coding-DNA position 383, A replaced by G.
Protein change: p.Tyr128Cys; replaces tyrosine 128 with cysteine.
Molecular consequence: missense variant. On other transcripts: 5 prime UTR variant (3).
Genome position (GRCh38, 1-based): chr1:243,274,619, A>G. VCF-style: chr1-243274619-A-G. GRCh37 (hg19) VCF-style: chr1-243437921-A-G.
Other names: c.383A>G (NM_006642.3); c.-730A>G (NM_001350246.2); c.-618A>G (NM_001350247.2); c.383A>G, p.Tyr128Cys (NM_001350248.2); c.89A>G, p.Tyr30Cys (NM_001350249.2); c.-991A>G (NM_001350251.2); short protein forms Y128C, Y30C.
Identifiers: ClinVar variation 3582404 (VCV003582404.3).